The following is an entry in ClinVar:

ClinVar aggregate classification (germline): Benign/Likely benign. Review status: criteria provided, multiple submitters, no conflicts (2 of 4 stars). 9 submissions from 9 submitters: Benign (3); Likely benign (6). Last evaluated 2025-12-29.

Conditions:
Breast and/or ovarian cancer. Identifiers: MedGen CN221562.
Hereditary cancer-predisposing syndrome. Also called: Hereditary Cancer Syndrome; Neoplastic Syndromes, Hereditary; Tumor predisposition; Hereditary neoplastic syndrome. Identifiers: Orphanet 140162, MedGen C0027672, MeSH D009386, MONDO:0015356.
Fanconi anemia complementation group O. Also called: RAD51C-Related Fanconi Anemia. Identifiers: Orphanet 84, MedGen C3150653, MONDO:0013248, OMIM 613390.
Breast-ovarian cancer, familial, susceptibility to, 3. Also called: RAD51C-Related Breast/Ovarian Cancer. Identifiers: Orphanet 145, MedGen C3150659, MONDO:0013253, OMIM 613399.

Allele frequency attached by ClinVar (database versions not stated): gnomAD 0.00002 and 0.00003; gnomAD exomes 0.00002 and 0.00010; TOPMed 0.00003; ExAC 0.00005.
gnomAD v4.1: 37 of 1,613,102 alleles (0.0023%); highest among the groups gnomAD compares: East Asian, 0.074%; no homozygotes.

Submissions (9):

Labcorp Genetics (formerly Invitae), Labcorp
Classification: Likely benign for Fanconi anemia complementation group O. Last evaluated: 2025-12-29. Review status: criteria provided, single submitter. Criteria: Invitae Variant Classification Sherloc (09022015). Collection method: clinical testing. Allele origin: germline.

Myriad Genetics, Inc.
Classification: Benign for Breast-ovarian cancer, familial, susceptibility to, 3. Last evaluated: 2025-02-19. Review status: criteria provided, single submitter. Criteria: Myriad Autosomal Dominant, Autosomal Recessive and X-Linked Classification Criteria (2023). Collection method: clinical testing. Allele origin: unknown.
Comment: This variant is considered benign. This variant is a silent/synonymous amino acid change and it is not expected to impact splicing.

Quest Diagnostics Nichols Institute San Juan Capistrano
Classification: Likely benign. Last evaluated: 2025-02-13. Review status: criteria provided, single submitter. Criteria: Quest Diagnostics criteria. Collection method: clinical testing. Allele origin: unknown.

Department of Pathology and Laboratory Medicine, Sinai Health System
Classification: Likely benign for Breast-ovarian cancer, familial, susceptibility to, 3. Last evaluated: 2023-06-12. Review status: criteria provided, single submitter. Criteria: ACMG Guidelines, 2015. Collection method: clinical testing. Allele origin: germline. Affected: yes.

CHEO Genetics Diagnostic Laboratory, Children's Hospital of Eastern Ontario
Classification: Likely benign for Breast and/or ovarian cancer. Last evaluated: 2023-03-03. Review status: criteria provided, single submitter. Criteria: ACMG Guidelines, 2015. Collection method: clinical testing. Allele origin: germline.

Women's Health and Genetics/Laboratory Corporation of America, LabCorp
Classification: Benign. Last evaluated: 2019-09-05. Review status: criteria provided, single submitter. Criteria: LabCorp Variant Classification Summary - May 2015. Collection method: clinical testing. Allele origin: germline.

Color Diagnostics, LLC DBA Color Health
Classification: Likely benign for Hereditary cancer-predisposing syndrome. Last evaluated: 2017-01-09. Review status: criteria provided, single submitter. Criteria: ACMG Guidelines, 2015. Collection method: clinical testing. Allele origin: germline.

GeneDx
Classification: Benign. Last evaluated: 2015-04-13. Review status: criteria provided, single submitter. Criteria: GeneDx Variant Classification (06012015). Collection method: clinical testing. Allele origin: germline. Affected: yes.
Comment: This variant is considered likely benign or benign based on one or more of the following criteria: it is a conservative change, it occurs at a poorly conserved position in the protein, it is predicted to be benign by multiple in silico algorithms, and/or has population frequency not consistent with disease.

Ambry Genetics
Classification: Likely benign for Hereditary cancer-predisposing syndrome. Last evaluated: 2014-12-30. Review status: criteria provided, single submitter. Criteria: Ambry Variant Classification Scheme 2023. Collection method: clinical testing. Allele origin: germline.

NM_058216.3(RAD51C):c.945T>C (p.Phe315=)

Gene: RAD51C (RAD51 paralog C; plus strand). Cytogenetic location: 17q22.
Variant type: single nucleotide variant.
Coding change: c.945T>C on transcript NM_058216.3 (MANE Select); coding-DNA position 945, T replaced by C.
Protein change: p.Phe315=; no amino-acid change (phenylalanine 315 retained).
Molecular consequence: synonymous variant. On other transcripts: non-coding transcript variant (1).
Genome position (GRCh38, 1-based): chr17:58,724,080, T>C. VCF-style: chr17-58724080-T-C. GRCh37 (hg19) VCF-style: chr17-56801441-T-C.
Identifiers: ClinVar variation 187748 (VCV000187748.23), dbSNP rs201235884, ClinGen allele CA198468.
Genomic context (GRCh38, chr17:58,724,080, plus strand): 5'-ATTATGTTTTTTACTCTCAGGGGAAAGTTGGGGACATGCTGCTACAATACGGCTAATCTT[T>C]CATTGGGACCGAAAGCAAAGGTCAGTACAGAAACAAGTTAATAACTCCGAATATTGGGTT-3'
Protein context (NP_478123.1, residues 305-325): WGHAATIRLI[Phe315=]HWDRKQRLAT